The following is an entry in ClinVar:

ClinVar aggregate classification (germline): Uncertain significance (1 of 4 stars; one submission).

Conditions:
MOGS-congenital disorder of glycosylation. Also called: MOGS-CDG; CDG IIb; GLUCOSIDASE I DEFICIENCY; CDG 2B. Identifiers: Orphanet 79330, MedGen C1853736, MONDO:0011629, OMIM 606056.

Allele frequency attached by ClinVar (database versions not stated): TOPMed 0.00001; gnomAD 0.00002; gnomAD exomes 0.00004.

Submission:

Labcorp Genetics (formerly Invitae), Labcorp
Classification: Uncertain significance for MOGS-congenital disorder of glycosylation. Last evaluated: 2021-09-24. Review status: criteria provided, single submitter. Criteria: Invitae Variant Classification Sherloc (09022015). Collection method: clinical testing. Allele origin: germline.
Comment: This sequence change replaces threonine with methionine at codon 136 of the MOGS protein (p.Thr136Met). The threonine residue is moderately conserved and there is a moderate physicochemical difference between threonine and methionine. This variant is not present in population databases (ExAC no frequency). This variant has not been reported in the literature in individuals with MOGS-related conditions. Algorithms developed to predict the effect of missense changes on protein structure and function are either unavailable or do not agree on the potential impact of this missense change (SIFT: "Tolerated"; PolyPhen-2: "Probably Damaging"; Align-GVGD: "Class C0"). In summary, the available evidence is currently insufficient to determine the role of this variant in disease. Therefore, it has been classified as a Variant of Uncertain Significance.

NM_006302.3(MOGS):c.407C>T (p.Thr136Met)

Gene: MOGS (mannosyl-oligosaccharide glucosidase; minus strand). Cytogenetic location: 2p13.1.
Variant type: single nucleotide variant.
Coding change: c.407C>T on transcript NM_006302.3 (MANE Select); coding-DNA position 407, C replaced by T.
Protein change: p.Thr136Met; replaces threonine 136 with methionine.
Molecular consequence: missense variant.
Genome position (GRCh38, 1-based): chr2:74,464,668, G>A on the plus strand (C>T on the coding strand, the complement: MOGS is on the minus strand). VCF-style: chr2-74464668-G-A. GRCh37 (hg19) VCF-style: chr2-74691795-G-A.
Other names: c.89C>T, p.Thr30Met (NM_001146158.2); short protein forms T30M, T136M.
Identifiers: ClinVar variation 1449341 (VCV001449341.5), dbSNP rs1287495585, ClinGen allele CA347381955.